The following is an entry in ClinVar:

ClinVar aggregate classification (germline): Uncertain significance. Review status: criteria provided, multiple submitters, no conflicts (2 of 4 stars). 2 submissions from 2 submitters: Uncertain significance (2). Last evaluated 2024-01-17.

Conditions:
Tuberous sclerosis 2 (TSC2). Identifiers: Orphanet 805, MedGen C1860707, MONDO:0013199, OMIM 613254.
Hereditary cancer-predisposing syndrome. Also called: Neoplastic Syndromes, Hereditary; Hereditary neoplastic syndrome; Tumor predisposition; Hereditary Cancer Syndrome. Identifiers: Orphanet 140162, MedGen C0027672, MeSH D009386, MONDO:0015356.

Submissions (2):

Ambry Genetics
Classification: Uncertain significance for Hereditary cancer-predisposing syndrome. Last evaluated: 2024-01-17. Review status: criteria provided, single submitter. Criteria: Ambry Variant Classification Scheme 2023. Collection method: clinical testing. Allele origin: germline.
Comment: The p.V67F variant (also known as c.199G>T), located in coding exon 2 of the TSC2 gene, results from a G to T substitution at nucleotide position 199. The valine at codon 67 is replaced by phenylalanine, an amino acid with highly similar properties. This amino acid position is not well conserved in available vertebrate species. In addition, the in silico prediction for this alteration is inconclusive. Based on the available evidence, the clinical significance of this alteration remains unclear.

Labcorp Genetics (formerly Invitae), Labcorp
Classification: Uncertain significance for Tuberous sclerosis 2. Last evaluated: 2023-01-06. Review status: criteria provided, single submitter. Criteria: Invitae Variant Classification Sherloc (09022015). Collection method: clinical testing. Allele origin: germline.
Comment: This variant is not present in population databases (gnomAD no frequency). In summary, the available evidence is currently insufficient to determine the role of this variant in disease. Therefore, it has been classified as a Variant of Uncertain Significance. Advanced modeling of protein sequence and biophysical properties (such as structural, functional, and spatial information, amino acid conservation, physicochemical variation, residue mobility, and thermodynamic stability) performed at Invitae indicates that this missense variant is not expected to disrupt TSC2 protein function. ClinVar contains an entry for this variant (Variation ID: 840287). This variant has not been reported in the literature in individuals affected with TSC2-related conditions. This sequence change replaces valine, which is neutral and non-polar, with phenylalanine, which is neutral and non-polar, at codon 67 of the TSC2 protein (p.Val67Phe).

NM_000548.5(TSC2):c.199G>T (p.Val67Phe)

Gene: TSC2 (TSC complex subunit 2; plus strand). Cytogenetic location: 16p13.3.
Variant type: single nucleotide variant.
Coding change: c.199G>T on transcript NM_000548.5 (MANE Select); coding-DNA position 199, G replaced by T.
Protein change: p.Val67Phe; replaces valine 67 with phenylalanine.
Molecular consequence: missense variant. On other transcripts: 5 prime UTR variant (1).
Genome position (GRCh38, 1-based): chr16:2,050,460, G>T. VCF-style: chr16-2050460-G-T. GRCh37 (hg19) VCF-style: chr16-2100461-G-T.
Other names: c.-28G>T (NM_001318831.2); c.232G>T, p.Val78Phe (NM_001318832.2); c.199G>T, p.Val67Phe (NM_001363528.2, NM_001370404.1, NM_001370405.1 and 4 more transcripts); c.52G>T, p.Val18Phe (NM_001318829.2); short protein forms V67F, V18F, V78F.
Identifiers: ClinVar variation 840287 (VCV000840287.10), dbSNP rs774506901, ClinGen allele CA394303505.